The following is an entry in ClinVar:

ClinVar aggregate classification (germline): Likely benign. Review status: criteria provided, multiple submitters, no conflicts (2 of 4 stars). 4 submissions from 4 submitters: Likely benign (2). 2 of the submissions do not count toward it. Last evaluated 2025-05-01.

Conditions:
ROBO3-related disorder. Also called: ROBO3-related condition.

Allele frequency attached by ClinVar (database versions not stated): gnomAD exomes 0.00022 and 0.00060; ExAC 0.00065; 1000 Genomes Project 0.00120; 1000 Genomes Project 30x 0.00156; gnomAD 0.00235 and 0.00252; TOPMed 0.00286; ESP Exome Variant Server 0.00312.
gnomAD v4.1: 706 of 1,613,926 alleles (0.044%); highest among the groups gnomAD compares: African/African-American, 0.81%; 3 homozygotes.

Submissions (4):

CeGaT Center for Human Genetics Tuebingen
Classification: Likely benign. Last evaluated: 2025-05-01. Review status: criteria provided, single submitter. Criteria: CeGaT Center For Human Genetics Tuebingen Variant Classification Criteria Version 2. Collection method: clinical testing. Allele origin: germline. Affected: yes. Observed: 1 variant allele.
Comment: ROBO3: BS2

Labcorp Genetics (formerly Invitae), Labcorp
Classification: Likely benign. Last evaluated: 2019-12-31. Review status: criteria provided, single submitter. Criteria: Invitae Variant Classification Sherloc (09022015). Collection method: clinical testing. Allele origin: germline.

PreventionGenetics, part of Exact Sciences
Classification: Likely benign for ROBO3-related condition. Last evaluated: 2022-01-24. Review status: no assertion criteria provided. Collection method: clinical testing. Allele origin: germline. Not counted in ClinVar's aggregate classification.
Comment: This variant is classified as likely benign based on ACMG/AMP sequence variant interpretation guidelines (Richards et al. 2015 PMID: 25741868, with internal and published modifications).

Department of Pathology and Laboratory Medicine, Sinai Health System
Classification: Uncertain significance. Review status: no assertion criteria provided. Collection method: clinical testing. Allele origin: unknown. Affected: yes. Study: The Canadian Open Genetics Repository (COGR). Not counted in ClinVar's aggregate classification.
Comment: The ROBO3 p.Thr613Ile variant was not identified in ClinVar, Cosmic, or LOVD 3.0. The variant was identified in dbSNP (ID: rs200202857) and in control databases in 206 of 280618 chromosomes (1 homozygous) at a frequency of 0.000734 increasing the likelihood this could be a low frequency benign variant (Genome Aggregation Database Feb 27, 2017). The variant was observed in the following populations: African in 192 of 24190 chromosomes (freq: 0.007937), Latino in 13 of 35366 chromosomes (freq: 0.000368) and Other in 1 of 7140 chromosomes (freq: 0.00014), but was not observed in the Ashkenazi Jewish, East Asian, European (Finnish), European (non-Finnish), and South Asian populations. The T613I variant was identified in a family with hypoplastic Amelogenesis Imperfecta however it was not considered to be damaging (Acevedo_2015_PMID:25928877). The p.Thr613 residue is conserved in mammals and computational analyses (PolyPhen-2, SIFT, AlignGVGD, BLOSUM, MutationTaster) provide inconsistent predictions regarding the impact to the protein; this information is not very predictive of pathogenicity. In silico or computational prediction software programs (SpliceSiteFinder, MaxEntScan, NNSPLICE, GeneSplicer) do not predict a difference in splicing. In summary, based on the above information the clinical significance of this variant cannot be determined with certainty at this time. This variant is classified as a variant of uncertain significance.

NM_022370.4(ROBO3):c.1838C>T (p.Thr613Ile)

Gene: ROBO3 (roundabout guidance receptor 3; plus strand). Cytogenetic location: 11q24.2.
Variant type: single nucleotide variant.
Coding change: c.1838C>T on transcript NM_022370.4 (MANE Select); coding-DNA position 1838, C replaced by T.
Protein change: p.Thr613Ile; replaces threonine 613 with isoleucine.
Molecular consequence: missense variant.
Genome position (GRCh38, 1-based): chr11:124,874,123, C>T. VCF-style: chr11-124874123-C-T. GRCh37 (hg19) VCF-style: chr11-124744019-C-T.
Other names: short protein forms T613I.
Identifiers: ClinVar variation 725837 (VCV000725837.17), dbSNP rs200202857, ClinGen allele CA6343617.